The following is an entry in ClinVar:

NM_000133.4(F9):c.1161del (p.Lys387fs)

Gene: F9 (coagulation factor IX; plus strand). Cytogenetic location: Xq27.1.
Variant type: Deletion.
Coding change: c.1161del on transcript NM_000133.4 (MANE Select); coding-DNA position 1161, one base deleted (G; older notation c.1161delG).
Protein change: p.Lys387fs; shifts the reading frame from lysine 387.
Molecular consequence: frameshift variant.
Genome position (GRCh38, 1-based): chrX:139,561,846, G deleted. VCF-style (leftmost placement, unchanged base first): chrX-139561845-AG-A. GRCh37 (hg19) VCF-style: chrX-138644004-AG-A.
Other names: c.1047del, p.Lys349fs (NM_001313913.2); short protein forms K349fs, K387fs.
Identifiers: ClinVar variation 2950284 (VCV002950284.3), dbSNP rs2520846572, ClinGen allele CA2695236362.

ClinVar aggregate classification (germline): Pathogenic (1 of 4 stars; one submission).

Conditions:
Hereditary factor IX deficiency disease (HEMB). Also called: Christmas Disease; F9 DEFICIENCY; FACTOR IX DEFICIENCY; PLASMA THROMBOPLASTIN COMPONENT DEFICIENCY; Hemophilia B. Identifiers: Orphanet 98879, MedGen C0008533, MeSH D002836, MONDO:0010604, OMIM 306900.
Thrombophilia, X-linked, due to factor 9 defect. Identifiers: MedGen C2749016, MONDO:0010432, OMIM 300807.

Submission:

Labcorp Genetics (formerly Invitae), Labcorp
Classification: Pathogenic for Thrombophilia, X-linked, due to factor 9 defect; Hereditary factor IX deficiency disease. Last evaluated: 2023-07-25. Review status: criteria provided, single submitter. Criteria: Invitae Variant Classification Sherloc (09022015). Collection method: clinical testing. Allele origin: germline.
Comment: This sequence change creates a premature translational stop signal (p.Lys387Asnfs*39) in the F9 gene. While this is not anticipated to result in nonsense mediated decay, it is expected to disrupt the last 75 amino acid(s) of the F9 protein. This variant is not present in population databases (gnomAD no frequency). This variant has not been reported in the literature in individuals affected with F9-related conditions. This variant disrupts a region of the F9 protein in which other variant(s) (p.Met394Ile) have been determined to be pathogenic (PMID: 8217825, 19699296; Invitae). This suggests that this is a clinically significant region of the protein, and that variants that disrupt it are likely to be disease-causing. For these reasons, this variant has been classified as Pathogenic.

Literature cited by the submitters: PubMed 8217825; PubMed 19699296.